The following is an entry in ClinVar:

ClinVar aggregate classification (germline): Conflicting classifications of pathogenicity. Review status: criteria provided, conflicting classifications (1 of 4 stars). 3 submissions from 3 submitters: Uncertain significance (1); Likely benign (1). 1 of the submissions does not count toward it. Last evaluated 2025-11-20.

Conditions:
Inborn genetic diseases. Identifiers: MedGen C0950123, MeSH D030342.
ANKRD26-related disorder. Also called: ANKRD26-related condition.

Allele frequency attached by ClinVar (database versions not stated): gnomAD 0.00001; gnomAD exomes below 0.00001; TOPMed 0.00001.
gnomAD v4.1: 3 of 1,554,714 alleles (0.00019%); highest among the groups gnomAD compares: Non-Finnish European, 0.00027%; no homozygotes.

Submissions (3):

Ambry Genetics
Classification: Likely benign for Inborn genetic diseases. Last evaluated: 2025-11-20. Review status: criteria provided, single submitter. Criteria: Ambry Variant Classification Scheme 2023. Collection method: clinical testing. Allele origin: germline.

Labcorp Genetics (formerly Invitae), Labcorp
Classification: Uncertain significance. Last evaluated: 2024-06-29. Review status: criteria provided, single submitter. Criteria: Invitae Variant Classification Sherloc (09022015). Collection method: clinical testing. Allele origin: germline.
Comment: This sequence change replaces threonine, which is neutral and polar, with asparagine, which is neutral and polar, at codon 1574 of the ANKRD26 protein (p.Thr1574Asn). This variant is present in population databases (no rsID available, gnomAD 0.0009%). This variant has not been reported in the literature in individuals affected with ANKRD26-related conditions. Algorithms developed to predict the effect of missense changes on protein structure and function output the following: SIFT: "Not Available"; PolyPhen-2: "Benign"; Align-GVGD: "Not Available". The asparagine amino acid residue is found in multiple mammalian species, which suggests that this missense change does not adversely affect protein function. In summary, the available evidence is currently insufficient to determine the role of this variant in disease. Therefore, it has been classified as a Variant of Uncertain Significance.

PreventionGenetics, part of Exact Sciences
Classification: Uncertain significance for ANKRD26-related condition. Last evaluated: 2024-05-16. Review status: no assertion criteria provided. Collection method: clinical testing. Allele origin: germline. Not counted in ClinVar's aggregate classification.
Comment: The ANKRD26 c.4721C>A variant is predicted to result in the amino acid substitution p.Thr1574Asn. To our knowledge, this variant has not been reported in the literature. This variant is reported in 0.00090% of alleles in individuals of European (Non-Finnish) descent in gnomAD. At this time, the clinical significance of this variant is uncertain due to the absence of conclusive functional and genetic evidence.

NM_014915.3(ANKRD26):c.4721C>A (p.Thr1574Asn)

Gene: ANKRD26 (ankyrin repeat domain 26; minus strand). Cytogenetic location: 10p12.1.
Variant type: single nucleotide variant.
Coding change: c.4721C>A on transcript NM_014915.3 (MANE Select); coding-DNA position 4721, C replaced by A.
Protein change: p.Thr1574Asn; replaces threonine 1574 with asparagine.
Molecular consequence: missense variant.
Genome position (GRCh38, 1-based): chr10:27,014,497, G>T on the plus strand (C>A on the coding strand, the complement: ANKRD26 is on the minus strand). VCF-style: chr10-27014497-G-T. GRCh37 (hg19) VCF-style: chr10-27303426-G-T.
Other names: c.4718C>A, p.Thr1573Asn (NM_001256053.2); short protein forms T1573N, T1574N.
Identifiers: ClinVar variation 2903105 (VCV002903105.6), dbSNP rs1205847358, ClinGen allele CA376355964.
Genomic context (GRCh38, chr10:27,014,497, plus strand): 5'-TTTCAAGGCAAATTAATGAGCTTAATTTATTTCCTATGATTCTATATTTTGACTTACTTG[G>T]TTAGTTTACTTGACAAAGATTTTCTAACTTTTAATTCTTCTAGATAGAGTTGCTTATATT-3'
Protein context (NP_055730.2, residues 1564-1584): KVRKSLSSKL[Thr1574Asn]KTNERLAEVN